The following is an entry in ClinVar:

NM_001099289.3(SH3RF3):c.1978A>G (p.Met660Val)

Genes: RANBP2 (RAN binding protein 2; plus strand), SH3RF3 (SH3 domain containing ring finger 3; plus strand). Cytogenetic location: 2q13.
Variant type: single nucleotide variant.
Coding change: c.1978A>G on transcript NM_001099289.3 (MANE Select); coding-DNA position 1978, A replaced by G.
Protein change: p.Met660Val; replaces methionine 660 with valine.
Molecular consequence: missense variant.
Genome position (GRCh38, 1-based): chr2:109,449,319, A>G. VCF-style: chr2-109449319-A-G. GRCh37 (hg19) VCF-style: chr2-110065775-A-G.
Other names: short protein forms M660V.
Identifiers: ClinVar variation 4583326 (VCV004583326.1).

ClinVar aggregate classification (germline): Uncertain significance (1 of 4 stars; one submission).

gnomAD v4.1: 13 of 1,606,690 alleles (0.00081%); highest among the groups gnomAD compares: Admixed American, 0.0051%; no homozygotes.

Submission:

Ambry Genetics
Classification: Uncertain significance. Last evaluated: 2025-12-02. Review status: criteria provided, single submitter. Criteria: Ambry Variant Classification Scheme 2023. Collection method: clinical testing. Allele origin: germline.
Comment: The c.1978A>G (p.M660V) alteration is located in exon (coding exon ) of the SH3RF3 gene. This alteration results from a A to G substitution at nucleotide position 1978, causing the methionine (M) at amino acid position 660 to be replaced by a valine (V). Based on insufficient or conflicting evidence, the clinical significance of this alteration remains unclear.